The following is an entry in ClinVar:

NM_003937.3(KYNU):c.800T>C (p.Val267Ala)

Gene: KYNU (kynureninase; plus strand). Cytogenetic location: 2q22.2.
Variant type: single nucleotide variant.
Coding change: c.800T>C on transcript NM_003937.3 (MANE Select); coding-DNA position 800, T replaced by C.
Protein change: p.Val267Ala; replaces valine 267 with alanine.
Molecular consequence: missense variant.
Genome position (GRCh38, 1-based): chr2:142,985,154, T>C. VCF-style: chr2-142985154-T-C. GRCh37 (hg19) VCF-style: chr2-143742723-T-C.
Other names: c.800T>C, p.Val267Ala (NM_001032998.2, NM_001199241.2); short protein forms V267A.
Identifiers: ClinVar variation 5020704 (VCV005020704.1).

ClinVar aggregate classification (germline): Uncertain significance (1 of 4 stars; one submission).

gnomAD v4.1: 8 of 1,609,804 alleles (0.0005%); highest among the groups gnomAD compares: Non-Finnish European, 0.00051%; no homozygotes.

Submission:

Dasa
Classification: Uncertain significance. Last evaluated: 2026-02-19. Review status: criteria provided, single submitter. Criteria: DASA Assertion Criteria. Collection method: clinical testing. Allele origin: germline.
Comment: NM_003937.3(KYNU):c.800T>C (p.Val267Ala) is a missense variant that results in the substitution of valine with alanine. This variant is rare in population databases. Computational prediction algorithms are consistent with a deleterious effect. The currently available literature and clinical evidence are not sufficient to establish a definitive association between this variant and the reported condition. Therefore, this variant is classified as a variant of uncertain significance.